The following is an entry in ClinVar:

NC_000022.10:g.(?_24129347)_(24176377_?)dup

Gene: SMARCB1 (SWI/SNF related BAF chromatin remodeling complex subunit B1; plus strand). Cytogenetic location: 22q11.23.
Variant type: Duplication.
Identifiers: ClinVar variation 583515 (VCV000583515.3).

ClinVar aggregate classification (germline): Uncertain significance (1 of 4 stars; one submission).

Submission:

Labcorp Genetics (formerly Invitae), Labcorp
Classification: Uncertain significance. Last evaluated: 2019-12-08. Review status: criteria provided, single submitter. Criteria: Invitae Variant Classification Sherloc (09022015). Collection method: clinical testing. Allele origin: germline.
Comment: This variant results in a copy number gain of the genomic region encompassing the full coding sequence of the SMARCB1 gene. The boundaries of this event are unknown as they extend beyond the assayed region for this gene and therefore may encompass additional genes. As the precise location of this event is unknown, it may be in tandem or it may be located elsewhere in the genome. This gross duplication has not been reported in the literature in individuals with a SMARCB1-related disease. ClinVar contains an entry for this variant (Variation ID: 239480). Experimental studies and prediction algorithms are not available for this variant, and the functional significance of the affected amino acid(s) is currently unknown. In summary, the available evidence is currently insufficient to determine the role of this variant in disease. Therefore, it has been classified as a Variant of Uncertain Significance.